The following is an entry in ClinVar:

NM_000382.3(ALDH3A2):c.195T>C (p.Leu65=)

Gene: ALDH3A2 (aldehyde dehydrogenase 3 family member A2; plus strand). Cytogenetic location: 17p11.2.
Variant type: single nucleotide variant.
Coding change: c.195T>C on transcript NM_000382.3 (MANE Select); coding-DNA position 195, T replaced by C.
Protein change: p.Leu65=; no amino-acid change (leucine 65 retained).
Molecular consequence: synonymous variant. On other transcripts: 5 prime UTR variant (1).
Genome position (GRCh38, 1-based): chr17:19,651,588, T>C. VCF-style: chr17-19651588-T-C. GRCh37 (hg19) VCF-style: chr17-19554901-T-C.
Other names: c.195T>C, p.Leu65= (NM_001031806.2, NM_001369136.1, NM_001369137.2 and 3 more transcripts); c.-494T>C (NM_001369148.2); c.195T>C (NM_000382.2).
Identifiers: ClinVar variation 1083596 (VCV001083596.9), dbSNP rs371684629, ClinGen allele CA8442750.

ClinVar aggregate classification (germline): Likely benign. Review status: criteria provided, single submitter (1 of 4 stars). 2 submissions from 2 submitters: Likely benign (1). 1 of the submissions does not count toward it. Last evaluated 2025-03-18.

Conditions:
ALDH3A2-related disorder. Also called: ALDH3A2-related condition.

Allele frequency attached by ClinVar (database versions not stated): gnomAD exomes 0.00001 and 0.00005; ExAC 0.00002; gnomAD 0.00003; TOPMed 0.00003; ESP Exome Variant Server 0.00008.
gnomAD v4.1: 80 of 1,614,064 alleles (0.005%); highest among the groups gnomAD compares: Non-Finnish European, 0.0066%; no homozygotes.

Submissions (2):

Labcorp Genetics (formerly Invitae), Labcorp
Classification: Likely benign. Last evaluated: 2025-03-18. Review status: criteria provided, single submitter. Criteria: Invitae Variant Classification Sherloc (09022015). Collection method: clinical testing. Allele origin: germline.

PreventionGenetics, part of Exact Sciences
Classification: Likely benign for ALDH3A2-related condition. Last evaluated: 2019-05-01. Review status: no assertion criteria provided. Collection method: clinical testing. Allele origin: germline. Not counted in ClinVar's aggregate classification.
Comment: This variant is classified as likely benign based on ACMG/AMP sequence variant interpretation guidelines (Richards et al. 2015 PMID: 25741868, with internal and published modifications).